The following is an entry in ClinVar:

NM_006231.4(POLE):c.538C>T (p.Gln180Ter)

Gene: POLE (DNA polymerase epsilon, catalytic subunit; minus strand). Cytogenetic location: 12q24.33.
Variant type: single nucleotide variant.
Coding change: c.538C>T on transcript NM_006231.4 (MANE Select); coding-DNA position 538, C replaced by T.
Protein change: p.Gln180Ter; replaces glutamine 180 with a stop codon.
Molecular consequence: nonsense.
Genome position (GRCh38, 1-based): chr12:132,679,537, G>A on the plus strand (C>T on the coding strand, the complement: POLE is on the minus strand). VCF-style: chr12-132679537-G-A. GRCh37 (hg19) VCF-style: chr12-133256123-G-A.
Other names: c.538C>T (NM_006231.2); short protein forms Q180*.
Identifiers: ClinVar variation 574318 (VCV000574318.11), dbSNP rs1565979764, ClinGen allele CA387366894.

ClinVar aggregate classification (germline): Conflicting classifications of pathogenicity. Review status: criteria provided, conflicting classifications (1 of 4 stars). 2 submissions from 2 submitters: Pathogenic (1); Uncertain significance (1). Last evaluated 2025-12-17.

Conditions:
Hereditary cancer-predisposing syndrome. Also called: Neoplastic Syndromes, Hereditary; Hereditary neoplastic syndrome; Tumor predisposition; Hereditary Cancer Syndrome. Identifiers: Orphanet 140162, MedGen C0027672, MeSH D009386, MONDO:0015356.

Submissions (2):

Ambry Genetics
Classification: Uncertain significance for Hereditary cancer-predisposing syndrome. Last evaluated: 2025-12-17. Review status: criteria provided, single submitter. Criteria: Ambry Variant Classification Scheme 2023. Collection method: clinical testing. Allele origin: germline.
Comment: The p.Q180* variant (also known as c.538C>T), located in coding exon 6 of the POLE gene, results from a C to T substitution at nucleotide position 538. This changes the amino acid from a glutamine to a stop codon within coding exon 6. This alteration is expected to result in loss of function by premature protein truncation or nonsense-mediated mRNA decay. Although biallelic loss of function of POLE has been associated with autosomal recessive POLE deficiency, haploinsufficiency of POLE has not been established as a mechanism of disease for POLE-related polymerase proofreading-associated polyposis (PPAP) and POLE-related CMMRD-like syndrome. Based on the supporting evidence, this variant is expected to be causative of POLE deficiency when present along with a second pathogenic variant on the other allele; however, its clinical significance for PPAP and POLE-related CMMRD-like syndrome is unclear.

Labcorp Genetics (formerly Invitae), Labcorp
Classification: Pathogenic. Last evaluated: 2022-05-27. Review status: criteria provided, single submitter. Criteria: Invitae Variant Classification Sherloc (09022015). Collection method: clinical testing. Allele origin: germline.
Comment: This sequence change creates a premature translational stop signal (p.Gln180*) in the POLE gene. It is expected to result in an absent or disrupted protein product. Loss-of-function variants in POLE are known to be pathogenic (PMID: 23230001, 25948378, 30503519). For these reasons, this variant has been classified as Pathogenic. ClinVar contains an entry for this variant (Variation ID: 574318). This variant has not been reported in the literature in individuals affected with POLE-related conditions. This variant is not present in population databases (gnomAD no frequency).

Literature cited by the submitters: PubMed 23230001 (cited by Labcorp Genetics (formerly Invitae), Labcorp); PubMed 25948378 (cited by Labcorp Genetics (formerly Invitae), Labcorp); PubMed 30503519 (cited by Labcorp Genetics (formerly Invitae), Labcorp).